The following is an entry in ClinVar:

ClinVar aggregate classification (germline): Uncertain significance (1 of 4 stars; one submission).

Submission:

GeneDx
Classification: Uncertain significance. Last evaluated: 2022-05-12. Review status: criteria provided, single submitter. Criteria: GeneDx Variant Classification Process June 2021. Collection method: clinical testing. Allele origin: germline. Affected: yes.
Comment: Not observed at significant frequency in large population cohorts (gnomAD); Has not been previously published as pathogenic or benign to our knowledge; In-silico analysis is inconclusive as to whether the variant alters gene splicing. In the absence of RNA/functional studies, the actual effect of this sequence change is unknown.

NM_003073.5(SMARCB1):c.363-6C>G

Gene: SMARCB1 (SWI/SNF related BAF chromatin remodeling complex subunit B1; plus strand). Cytogenetic location: 22q11.23.
Variant type: single nucleotide variant.
Coding change: c.363-6C>G on transcript NM_003073.5 (MANE Select); 6 bases into the intron before coding-DNA position 363, C replaced by G.
Molecular consequence: intron variant.
Genome position (GRCh38, 1-based): chr22:23,800,938, C>G. VCF-style: chr22-23800938-C-G. GRCh37 (hg19) VCF-style: chr22-24143125-C-G.
Other names: c.363-6C>G (NM_001362877.2); c.336-6C>G (NM_001317946.2, NM_001007468.3).
Identifiers: ClinVar variation 1723824 (VCV001723824.2), dbSNP rs1601401778, ClinGen allele CA2580099249.